The following is an entry in ClinVar:

ClinVar aggregate classification (germline): Uncertain significance (1 of 4 stars; one submission).

Conditions:
DICER1-related tumor predisposition. Also called: DICER1 syndrome; DICER1-related pleuropulmonary blastoma cancer predisposition syndrome. Identifiers: Orphanet 284343, MedGen C3839822, MONDO:0100216.

Submission:

Labcorp Genetics (formerly Invitae), Labcorp
Classification: Uncertain significance for DICER1-related tumor predisposition. Last evaluated: 2022-07-12. Review status: criteria provided, single submitter. Criteria: Invitae Variant Classification Sherloc (09022015). Collection method: clinical testing. Allele origin: germline.
Comment: In summary, the available evidence is currently insufficient to determine the role of this variant in disease. Therefore, it has been classified as a Variant of Uncertain Significance. Variants that disrupt the consensus splice site are a relatively common cause of aberrant splicing (PMID: 17576681, 9536098). Algorithms developed to predict the effect of sequence changes on RNA splicing suggest that this variant may disrupt the consensus splice site. ClinVar contains an entry for this variant (Variation ID: 860022). This variant has not been reported in the literature in individuals affected with DICER1-related conditions. This variant is not present in population databases (gnomAD no frequency). This sequence change falls in intron 20 of the DICER1 gene. It does not directly change the encoded amino acid sequence of the DICER1 protein. It affects a nucleotide within the consensus splice site.

Literature cited by the submitters: PubMed 17576681; PubMed 9536098.

NM_177438.3(DICER1):c.3270-3C>T

Gene: DICER1 (dicer 1, ribonuclease III; minus strand). Cytogenetic location: 14q32.13.
Variant type: single nucleotide variant.
Coding change: c.3270-3C>T on transcript NM_177438.3 (MANE Select); 3 bases into the intron before coding-DNA position 3270, C replaced by T.
Molecular consequence: intron variant.
Genome position (GRCh38, 1-based): chr14:95,104,129, G>A on the plus strand (C>T on the coding strand, the complement: DICER1 is on the minus strand). VCF-style: chr14-95104129-G-A. GRCh37 (hg19) VCF-style: chr14-95570466-G-A.
Other names: c.3270-3C>T (NM_001291628.2, NM_030621.4, NM_001271282.3 and 1 more transcripts).
Identifiers: ClinVar variation 860022 (VCV000860022.12), dbSNP rs1891199739, ClinGen allele CA916081745.